The following is an entry in ClinVar:

NM_144997.7(FLCN):c.1240C>T (p.Arg414Trp)

Gene: FLCN (folliculin; minus strand). Cytogenetic location: 17p11.2.
Variant type: single nucleotide variant.
Coding change: c.1240C>T on transcript NM_144997.7 (MANE Select); coding-DNA position 1240, C replaced by T.
Protein change: p.Arg414Trp; replaces arginine 414 with tryptophan.
Molecular consequence: missense variant.
Genome position (GRCh38, 1-based): chr17:17,216,440, G>A on the plus strand (C>T on the coding strand, the complement: FLCN is on the minus strand). VCF-style: chr17-17216440-G-A. GRCh37 (hg19) VCF-style: chr17-17119754-G-A.
Other names: c.1294C>T, p.Arg432Trp (NM_001353229.2); c.1240C>T, p.Arg414Trp (NM_001353230.2, NM_001353231.2); short protein forms R414W, R432W.
Identifiers: ClinVar variation 1020067 (VCV001020067.12), dbSNP rs1226407835, ClinGen allele CA398531783.

ClinVar aggregate classification (germline): Uncertain significance. Review status: criteria provided, multiple submitters, no conflicts (2 of 4 stars). 3 submissions from 3 submitters: Uncertain significance (3). Last evaluated 2025-04-18.

Conditions:
Hereditary cancer-predisposing syndrome. Also called: Hereditary neoplastic syndrome; Neoplastic Syndromes, Hereditary; Tumor predisposition; Hereditary Cancer Syndrome. Identifiers: Orphanet 140162, MedGen C0027672, MeSH D009386, MONDO:0015356.
Birt-Hogg-Dube syndrome. Also called: Birt Hogg Dubé syndrome. Identifiers: Orphanet 122, MedGen C0346010, MONDO:0800444.
Familial spontaneous pneumothorax (PSP). Identifiers: Orphanet 2903, MedGen C1868193, MONDO:0008259, OMIM 173600.
Colorectal cancer. Also called: Malignant Colorectal Neoplasm; Colorectal cancer, somatic. Identifiers: MedGen C0346629, MONDO:0005575, OMIM 114500.
Birt-Hogg-Dube syndrome 1 (BHD1). Also called: FIBROFOLLICULOMAS WITH TRICHODISCOMAS AND ACROCHORDONS. Identifiers: Orphanet 122, MedGen CN375946, MONDO:0800445, OMIM 135150.
Nonpapillary renal cell carcinoma. Identifiers: Orphanet 422526, MedGen CN074294, MONDO:0007763, OMIM 144700.

Allele frequency attached by ClinVar (database versions not stated): gnomAD exomes below 0.00001 and 0.00002; TOPMed below 0.00001.

Submissions (3):

Labcorp Genetics (formerly Invitae), Labcorp
Classification: Uncertain significance for Birt-Hogg-Dube syndrome. Last evaluated: 2025-04-18. Review status: criteria provided, single submitter. Criteria: Invitae Variant Classification Sherloc (09022015). Collection method: clinical testing. Allele origin: germline.
Comment: This sequence change replaces arginine, which is basic and polar, with tryptophan, which is neutral and slightly polar, at codon 414 of the FLCN protein (p.Arg414Trp). The frequency data for this variant in the population databases is considered unreliable, as metrics indicate poor data quality at this position in the gnomAD database. This variant has not been reported in the literature in individuals affected with FLCN-related conditions. ClinVar contains an entry for this variant (Variation ID: 1020067). Invitae Evidence Modeling of protein sequence and biophysical properties (such as structural, functional, and spatial information, amino acid conservation, physicochemical variation, residue mobility, and thermodynamic stability) indicates that this missense variant is not expected to disrupt FLCN protein function with a negative predictive value of 80%. In summary, the available evidence is currently insufficient to determine the role of this variant in disease. Therefore, it has been classified as a Variant of Uncertain Significance.

Fulgent Genetics
Classification: Uncertain significance for Colorectal cancer; Birt-Hogg-Dube syndrome 1; Nonpapillary renal cell carcinoma; Familial spontaneous pneumothorax. Last evaluated: 2024-04-14. Review status: criteria provided, single submitter. Criteria: ACMG Guidelines, 2015. Collection method: clinical testing. Allele origin: germline.

Ambry Genetics
Classification: Uncertain significance for Hereditary cancer-predisposing syndrome. Last evaluated: 2024-04-02. Review status: criteria provided, single submitter. Criteria: Ambry Variant Classification Scheme 2023. Collection method: clinical testing. Allele origin: germline.
Comment: The p.R414W variant (also known as c.1240C>T), located in coding exon 8 of the FLCN gene, results from a C to T substitution at nucleotide position 1240. The arginine at codon 414 is replaced by tryptophan, an amino acid with dissimilar properties. This amino acid position is well conserved in available vertebrate species. In addition, the in silico prediction for this alteration is inconclusive. Since supporting evidence is limited at this time, the clinical significance of this alteration remains unclear.